The following is an entry in ClinVar:

NM_007194.4(CHEK2):c.319+9C>T

Gene: CHEK2 (checkpoint kinase 2; minus strand). Cytogenetic location: 22q12.1.
Variant type: single nucleotide variant.
Coding change: c.319+9C>T on transcript NM_007194.4 (MANE Select); 9 bases into the intron after coding-DNA position 319, C replaced by T.
Molecular consequence: intron variant.
Genome position (GRCh38, 1-based): chr22:28,734,394, G>A on the plus strand (C>T on the coding strand, the complement: CHEK2 is on the minus strand). VCF-style: chr22-28734394-G-A. GRCh37 (hg19) VCF-style: chr22-29130382-G-A.
Other names: c.-345+7375C>T (NM_001437942.1); c.319+9C>T (NM_001349956.3, NM_145862.3, NM_001438295.1 and 3 more transcripts); c.-459+9C>T (NM_001257387.3).
Identifiers: ClinVar variation 1141340 (VCV001141340.11), dbSNP rs772600733, ClinGen allele CA2499226104.

ClinVar aggregate classification (germline): Likely benign. Review status: criteria provided, multiple submitters, no conflicts (2 of 4 stars). 2 submissions from 2 submitters: Likely benign (2). Last evaluated 2024-10-02.

Conditions:
Familial cancer of breast. Also called: Hereditary breast cancer; hereditary breast carcinoma; BREAST CANCER, FAMILIAL. Identifiers: Orphanet 227535, MedGen C0346153, MONDO:0016419, OMIM 114480. Disease mechanism: loss of function.

Submissions (2):

Myriad Genetics, Inc.
Classification: Likely benign for Familial cancer of breast. Last evaluated: 2024-10-02. Review status: criteria provided, single submitter. Criteria: Myriad Autosomal Dominant, Autosomal Recessive and X-Linked Classification Criteria (2023). Collection method: clinical testing. Allele origin: unknown.
Comment: This variant is considered likely benign. This variant is intronic and is not expected to impact mRNA splicing.

Labcorp Genetics (formerly Invitae), Labcorp
Classification: Likely benign for Familial cancer of breast. Last evaluated: 2022-12-06. Review status: criteria provided, single submitter. Criteria: Invitae Variant Classification Sherloc (09022015). Collection method: clinical testing. Allele origin: germline.